The following is an entry in ClinVar:

NM_004958.4(MTOR):c.7558G>A (p.Asp2520Asn)

Gene: MTOR (mechanistic target of rapamycin kinase; minus strand). Cytogenetic location: 1p36.22.
Variant type: single nucleotide variant.
Coding change: c.7558G>A on transcript NM_004958.4 (MANE Select); coding-DNA position 7558, G replaced by A.
Protein change: p.Asp2520Asn; replaces aspartic acid 2520 with asparagine.
Molecular consequence: missense variant.
Genome position (GRCh38, 1-based): chr1:11,108,257, C>T on the plus strand (G>A on the coding strand, the complement: MTOR is on the minus strand). VCF-style: chr1-11108257-C-T. GRCh37 (hg19) VCF-style: chr1-11168314-C-T.
Other names: c.7558G>A, p.Asp2520Asn (NM_001386500.1); c.6310G>A, p.Asp2104Asn (NM_001386501.1); short protein forms D2104N, D2520N.
Identifiers: ClinVar variation 3765696 (VCV003765696.1).

ClinVar aggregate classification (germline): Uncertain significance (1 of 4 stars; one submission).

Submission:

Greenwood Genetic Center Diagnostic Laboratories, Greenwood Genetic Center
Classification: Uncertain significance. Last evaluated: 2024-10-04. Review status: criteria provided, single submitter. Criteria: ACMG Guidelines, 2015. Collection method: clinical testing. Allele origin: germline. Affected: yes.
Comment: PM2, BP4, PP2